The following is an entry in ClinVar:

NM_001146079.2(CLDN14):c.441C>A (p.Phe147Leu)

Genes: CLDN14 (claudin 14; minus strand), CLDN14-AS1 (CLDN14 antisense RNA 1; plus strand). Cytogenetic location: 21q22.13.
Variant type: single nucleotide variant.
Coding change: c.441C>A on transcript NM_001146079.2 (MANE Select); coding-DNA position 441, C replaced by A.
Protein change: p.Phe147Leu; replaces phenylalanine 147 with leucine.
Molecular consequence: missense variant.
Genome position (GRCh38, 1-based): chr21:36,461,255, G>T on the plus strand (C>A on the coding strand, the complement: CLDN14 is on the minus strand). VCF-style: chr21-36461255-G-T. GRCh37 (hg19) VCF-style: chr21-37833553-G-T.
Other names: c.441C>A, p.Phe147Leu (NM_001146077.2, NM_001146078.3, NM_012130.4 and 1 more transcripts); short protein forms F147L.
Identifiers: ClinVar variation 3769799 (VCV003769799.2).

ClinVar aggregate classification (germline): Uncertain significance. Review status: criteria provided, multiple submitters, no conflicts (2 of 4 stars). 2 submissions from 2 submitters: Uncertain significance (2). Last evaluated 2025-12-09.

Conditions:
Inborn genetic diseases. Identifiers: MedGen C0950123, MeSH D030342.

gnomAD v4.1: 2 of 1,613,856 alleles (0.00012%); highest among the groups gnomAD compares: African/African-American, 0.0027%; no homozygotes.

Submissions (2):

Ambry Genetics
Classification: Uncertain significance for Inborn genetic diseases. Last evaluated: 2025-12-09. Review status: criteria provided, single submitter. Criteria: Ambry Variant Classification Scheme 2023. Collection method: clinical testing. Allele origin: germline.

GeneDx
Classification: Uncertain significance. Last evaluated: 2024-09-11. Review status: criteria provided, single submitter. Criteria: GeneDx Variant Classification Process June 2021. Collection method: clinical testing. Allele origin: germline. Affected: yes.
Comment: Not observed at significant frequency in large population cohorts (gnomAD); In silico analysis supports that this missense variant has a deleterious effect on protein structure/function; Has not been previously published as pathogenic or benign to our knowledge